The following is an entry in ClinVar:

ClinVar aggregate classification (germline): Uncertain significance (1 of 4 stars; one submission).

Conditions:
LPL-related disorder. Also called: LPL-related condition.

gnomAD v4.1: 1 of 1,614,178 alleles (0.000062%); highest among the groups gnomAD compares: Non-Finnish European, 0.000085%; no homozygotes.

Submission:

PreventionGenetics, part of Exact Sciences
Classification: Uncertain significance for LPL-related condition. Last evaluated: 2026-06-04. Review status: criteria provided, single submitter. Criteria: ACMG Guidelines, 2015. Collection method: clinical testing. Allele origin: germline.
Comment: The LPL c.707G>A variant is predicted to result in the amino acid substitution p.Gly236Glu. To our knowledge, this variant has not been reported in the literature or in a large population database (gnomAD), indicating this variant is rare. At this time, the clinical significance of this variant is uncertain due to the absence of conclusive functional and genetic evidence.

NM_000237.3(LPL):c.707G>A (p.Gly236Glu)

Gene: LPL (lipoprotein lipase; plus strand). Cytogenetic location: 8p21.3.
Variant type: single nucleotide variant.
Coding change: c.707G>A on transcript NM_000237.3 (MANE Select); coding-DNA position 707, G replaced by A.
Protein change: p.Gly236Glu; replaces glycine 236 with glutamic acid.
Molecular consequence: missense variant.
Genome position (GRCh38, 1-based): chr8:19,954,285, G>A. VCF-style: chr8-19954285-G-A. GRCh37 (hg19) VCF-style: chr8-19811796-G-A.
Other names: short protein forms G236E.
Identifiers: ClinVar variation 4987729 (VCV004987729.1).